The following is an entry in ClinVar:

ClinVar aggregate classification (germline): Benign/Likely benign. Review status: criteria provided, multiple submitters, no conflicts (2 of 4 stars). 3 submissions from 3 submitters: Benign (1); Likely benign (2). Last evaluated 2024-10-31.

Conditions:
Multiple endocrine neoplasia, type 1 (MEN1). Also called: MEA I; Endocrine adenomatosis multiple; MEN 1; MEN I; WERMER SYNDROME. Identifiers: Orphanet 652, MedGen C0025267, MeSH D018761, MONDO:0007540, OMIM 131100.
Hereditary cancer-predisposing syndrome. Also called: Hereditary Cancer Syndrome; Tumor predisposition; Neoplastic Syndromes, Hereditary; Hereditary neoplastic syndrome. Identifiers: Orphanet 140162, MedGen C0027672, MeSH D009386, MONDO:0015356.

Allele frequency attached by ClinVar (database versions not stated): gnomAD exomes below 0.00001; ExAC 0.00003.
gnomAD v4.1: 1 of 1,581,886 alleles (0.000063%); highest among the groups gnomAD compares: Non-Finnish European, 0.000086%; no homozygotes.

Submissions (3):

Myriad Genetics, Inc.
Classification: Benign for Multiple endocrine neoplasia, type 1. Last evaluated: 2024-10-31. Review status: criteria provided, single submitter. Criteria: Myriad Autosomal Dominant, Autosomal Recessive and X-Linked Classification Criteria (2023). Collection method: clinical testing. Allele origin: unknown.
Comment: This variant is considered benign. This variant is a silent/synonymous amino acid change and it is not expected to impact splicing.

Ambry Genetics
Classification: Likely benign for Hereditary cancer-predisposing syndrome. Last evaluated: 2023-02-02. Review status: criteria provided, single submitter. Criteria: Ambry Variant Classification Scheme 2023. Collection method: clinical testing. Allele origin: germline.

Labcorp Genetics (formerly Invitae), Labcorp
Classification: Likely benign for Multiple endocrine neoplasia, type 1. Last evaluated: 2022-03-27. Review status: criteria provided, single submitter. Criteria: Invitae Variant Classification Sherloc (09022015). Collection method: clinical testing. Allele origin: germline.

NM_001370259.2(MEN1):c.213G>A (p.Pro71=)

Gene: MEN1 (menin 1; minus strand). Cytogenetic location: 11q13.1.
Variant type: single nucleotide variant.
Coding change: c.213G>A on transcript NM_001370259.2 (MANE Select); coding-DNA position 213, G replaced by A.
Protein change: p.Pro71=; no amino-acid change (proline 71 retained).
Molecular consequence: synonymous variant.
Genome position (GRCh38, 1-based): chr11:64,809,897, C>T on the plus strand (G>A on the coding strand, the complement: MEN1 is on the minus strand). VCF-style: chr11-64809897-C-T. GRCh37 (hg19) VCF-style: chr11-64577369-C-T.
Other names: c.213G>A (NM_130799.2); c.213G>A, p.Pro71= (NM_000244.4, NM_001370251.2, NM_001370260.2 and 9 more transcripts).
Identifiers: ClinVar variation 1629012 (VCV001629012.11), dbSNP rs778154183, ClinGen allele CA061007.
Genomic context (GRCh38, chr11:64,809,897, plus strand): 5'-GGCATAGAGGGCGGCGATGATAGACAGGTCGGCCACGGGAAAGTAGGTGAGGCCGCCAGG[C>T]GGGTCGGGGGCGGGGCTGGGCTGGAAGGTGAGCTCGGGAACGTTGGTAGGGATGACGCGG-3'
Protein context (NP_001357188.2, residues 61-81): LTFQPSPAPD[Pro71=]PGGLTYFPVA